The following is an entry in ClinVar:

ClinVar aggregate classification (germline): Uncertain significance. Review status: criteria provided, multiple submitters, no conflicts (2 of 4 stars). 2 submissions from 2 submitters: Uncertain significance (2). Last evaluated 2025-03-15.

gnomAD v4.1: 5 of 1,613,636 alleles (0.00031%); highest among the groups gnomAD compares: Non-Finnish European, 0.00042%; no homozygotes.

Submissions (2):

Ambry Genetics
Classification: Uncertain significance. Last evaluated: 2025-03-15. Review status: criteria provided, single submitter. Criteria: Ambry Variant Classification Scheme 2023. Collection method: clinical testing. Allele origin: germline.
Comment: The p.S732T variant (also known as c.2194T>A), located in coding exon 13 of the GEN1 gene, results from a T to A substitution at nucleotide position 2194. The serine at codon 732 is replaced by threonine, an amino acid with similar properties. This amino acid position is conserved. In addition, this alteration is predicted to be tolerated by in silico analysis. Based on the available evidence, the clinical significance of this variant remains unclear.

Labcorp Genetics (formerly Invitae), Labcorp
Classification: Uncertain significance. Last evaluated: 2024-11-27. Review status: criteria provided, single submitter. Criteria: Invitae Variant Classification Sherloc (09022015). Collection method: clinical testing. Allele origin: germline.
Comment: This sequence change replaces serine, which is neutral and polar, with threonine, which is neutral and polar, at codon 732 of the GEN1 protein (p.Ser732Thr). This variant is present in population databases (rs770262333, gnomAD 0.0009%). This variant has not been reported in the literature in individuals affected with GEN1-related conditions. An algorithm developed to predict the effect of missense changes on protein structure and function (PolyPhen-2) suggests that this variant is likely to be tolerated. In summary, the available evidence is currently insufficient to determine the role of this variant in disease. Therefore, it has been classified as a Variant of Uncertain Significance.

NM_001130009.3(GEN1):c.2194T>A (p.Ser732Thr)

Gene: GEN1 (GEN1 structure-specific endonuclease; plus strand). Cytogenetic location: 2p24.2.
Variant type: single nucleotide variant.
Coding change: c.2194T>A on transcript NM_001130009.3 (MANE Select); coding-DNA position 2194, T replaced by A.
Protein change: p.Ser732Thr; replaces serine 732 with threonine.
Molecular consequence: missense variant.
Genome position (GRCh38, 1-based): chr2:17,781,406, T>A. VCF-style: chr2-17781406-T-A. GRCh37 (hg19) VCF-style: chr2-17962673-T-A.
Other names: c.2194T>A (NM_001130009.1); c.2194T>A, p.Ser732Thr (NM_182625.5); short protein forms S732T.
Identifiers: ClinVar variation 3712418 (VCV003712418.3).